The following is an entry in ClinVar:

ClinVar aggregate classification (germline): Uncertain significance (1 of 4 stars; one submission).

Conditions:
Landau-Kleffner syndrome (FESD). Also called: EPILEPSY, FOCAL, WITH SPEECH DISORDER AND WITH OR WITHOUT MENTAL RETARDATION; APHASIA, ACQUIRED, WITH EPILEPSY. Identifiers: Orphanet 1945, Orphanet 725, Orphanet 98818, MedGen C0282512, MONDO:0009509, OMIM 245570.

Submission:

Labcorp Genetics (formerly Invitae), Labcorp
Classification: Uncertain significance for RESDAD. Last evaluated: 2019-09-20. Review status: criteria provided, single submitter. Criteria: Invitae Variant Classification Sherloc (09022015). Collection method: clinical testing. Allele origin: germline.
Comment: This sequence change replaces methionine with valine at codon 90 of the GRIN2A protein (p.Met90Val). The methionine residue is moderately conserved and there is a small physicochemical difference between methionine and valine. This variant is not present in population databases (ExAC no frequency). This variant has not been reported in the literature in individuals with GRIN2A-related conditions. Algorithms developed to predict the effect of missense changes on protein structure and function (SIFT, PolyPhen-2, Align-GVGD) all suggest that this variant is likely to be tolerated, but these predictions have not been confirmed by published functional studies and their clinical significance is uncertain. In summary, the available evidence is currently insufficient to determine the role of this variant in disease. Therefore, it has been classified as a Variant of Uncertain Significance.

NM_001134407.3(GRIN2A):c.268A>G (p.Met90Val)

Gene: GRIN2A (glutamate ionotropic receptor NMDA type subunit 2A; minus strand). Cytogenetic location: 16p13.2.
Variant type: single nucleotide variant.
Coding change: c.268A>G on transcript NM_001134407.3 (MANE Select); coding-DNA position 268, A replaced by G.
Protein change: p.Met90Val; replaces methionine 90 with valine.
Molecular consequence: missense variant.
Genome position (GRCh38, 1-based): chr16:10,180,144, T>C on the plus strand (A>G on the coding strand, the complement: GRIN2A is on the minus strand). VCF-style: chr16-10180144-T-C. GRCh37 (hg19) VCF-style: chr16-10274001-T-C.
Other names: c.268A>G, p.Met90Val (NM_000833.5, NM_001134408.2); short protein forms M90V.
Identifiers: ClinVar variation 955039 (VCV000955039.1), dbSNP rs2050232660, ClinGen allele CA394715384.
Genomic context (GRCh38, chr16:10,180,144, plus strand): 5'-CTACGGCCTCCTGGTCCGTGTCGTCCCCAAACACGAGGCCGTGGATGCGTGCCCCGGACA[T>C]GAGGTCGCACACGTGCGTGATGAGGCTCTTGGGGTCGGTGCGGTTCATCAGCAGAGCTAC-3'
Protein context (NP_001127879.1, residues 80-100): KSLITHVCDL[Met90Val]SGARIHGLVF